The following is an entry in ClinVar:

NM_018706.7(DHTKD1):c.306G>A (p.Thr102=)

Gene: DHTKD1 (dehydrogenase E1 and transketolase domain containing 1; plus strand). Cytogenetic location: 10p14.
Variant type: single nucleotide variant.
Coding change: c.306G>A on transcript NM_018706.7 (MANE Select); coding-DNA position 306, G replaced by A.
Protein change: p.Thr102=; no amino-acid change (threonine 102 retained).
Molecular consequence: synonymous variant.
Genome position (GRCh38, 1-based): chr10:12,081,623, G>A. VCF-style: chr10-12081623-G-A. GRCh37 (hg19) VCF-style: chr10-12123622-G-A.
Identifiers: ClinVar variation 1417471 (VCV001417471.33), dbSNP rs775431352, ClinGen allele CA5407495.

ClinVar aggregate classification (germline): Likely benign. Review status: criteria provided, multiple submitters, no conflicts (2 of 4 stars). 2 submissions from 2 submitters: Likely benign (2). Last evaluated 2025-08-15.

Conditions:
2-aminoadipic 2-oxoadipic aciduria (AAKAD). Also called: ALPHA-AMINOADIPIC AND ALPHA-KETOADIPIC ACIDURIA; Aminoadipic aciduria. Identifiers: Orphanet 79154, MedGen C1859817, MONDO:0008774, OMIM 204750.

Allele frequency attached by ClinVar (database versions not stated): gnomAD 0.00001 and 0.00002; TOPMed 0.00004.
gnomAD v4.1: 50 of 1,613,922 alleles (0.0031%); highest among the groups gnomAD compares: Admixed American, 0.005%; no homozygotes.

Submissions (2):

Labcorp Genetics (formerly Invitae), Labcorp
Classification: Likely benign for 2-aminoadipic 2-oxoadipic aciduria. Last evaluated: 2025-08-15. Review status: criteria provided, single submitter. Criteria: Invitae Variant Classification Sherloc (09022015). Collection method: clinical testing. Allele origin: germline.

CeGaT Center for Human Genetics Tuebingen
Classification: Likely benign. Last evaluated: 2022-12-01. Review status: criteria provided, single submitter. Criteria: CeGaT Center For Human Genetics Tuebingen Variant Classification Criteria Version 2. Collection method: clinical testing. Allele origin: germline. Affected: yes. Observed: 1 variant allele.
Comment: DHTKD1: BP4, BP7